The following is an entry in ClinVar:

NM_001042492.3(NF1):c.4977C>G (p.Leu1659=)

Gene: NF1 (neurofibromin 1; plus strand). Cytogenetic location: 17q11.2.
Variant type: single nucleotide variant.
Coding change: c.4977C>G on transcript NM_001042492.3 (MANE Select); coding-DNA position 4977, C replaced by G.
Protein change: p.Leu1659=; no amino-acid change (leucine 1659 retained).
Molecular consequence: synonymous variant.
Genome position (GRCh38, 1-based): chr17:31,325,961, C>G. VCF-style: chr17-31325961-C-G. GRCh37 (hg19) VCF-style: chr17-29652979-C-G.
Other names: c.4914C>G, p.Leu1638= (NM_000267.4).
Identifiers: ClinVar variation 215716 (VCV000215716.15), dbSNP rs863224355, ClinGen allele CA337529.

ClinVar aggregate classification (germline): Benign/Likely benign. Review status: criteria provided, multiple submitters, no conflicts (2 of 4 stars). 4 submissions from 4 submitters: Benign (1); Likely benign (3). Last evaluated 2026-09-29.

Conditions:
Cardiovascular phenotype. Identifiers: MedGen CN230736.
Hereditary cancer-predisposing syndrome. Also called: Hereditary Cancer Syndrome; Tumor predisposition; Hereditary neoplastic syndrome; Neoplastic Syndromes, Hereditary. Identifiers: Orphanet 140162, MedGen C0027672, MeSH D009386, MONDO:0015356.
Neurofibromatosis, type 1 (NF1). Also called: Peripheral type neurofibromatosis; Neurofibromatosis, type I; VON RECKLINGHAUSEN DISEASE; NEUROFIBROMATOSIS, TYPE I, SOMATIC. Identifiers: Orphanet 636, MedGen C0027831, MONDO:0018975, OMIM 162200. Disease mechanism: loss of function.

Allele frequency attached by ClinVar (database versions not stated): TOPMed 0.00001.
gnomAD v4.1: 16 of 1,614,220 alleles (0.00099%); highest among the groups gnomAD compares: Non-Finnish European, 0.00093%; no homozygotes.

Submissions (4):

Myriad Genetics, Inc.
Classification: Benign for Neurofibromatosis, type 1. Last evaluated: 2026-09-29. Review status: criteria provided, single submitter. Criteria: Myriad Autosomal Dominant, Autosomal Recessive and X-Linked Classification Criteria (2023). Collection method: clinical testing. Allele origin: unknown.
Comment: This variant is considered benign. This variant is a silent/synonymous amino acid change and it is not expected to impact splicing.

Labcorp Genetics (formerly Invitae), Labcorp
Classification: Likely benign for Neurofibromatosis, type 1. Last evaluated: 2025-10-17. Review status: criteria provided, single submitter. Criteria: Invitae Variant Classification Sherloc (09022015). Collection method: clinical testing. Allele origin: germline.

Genome-Nilou Lab
Classification: Likely benign for Neurofibromatosis, type 1. Last evaluated: 2022-03-15. Review status: criteria provided, single submitter. Criteria: ACMG Guidelines, 2015. Collection method: clinical testing. Allele origin: germline. Affected: no.

Ambry Genetics
Classification: Likely benign for Cardiovascular phenotype; Hereditary cancer-predisposing syndrome. Last evaluated: 2016-08-01. Review status: criteria provided, single submitter. Criteria: Ambry General Variant Classification Scheme_2022. Collection method: clinical testing. Allele origin: germline. Observed: 1 variant allele.